The following is an entry in ClinVar:

NM_000245.4(MET):c.3236A>G (p.His1079Arg)

Gene: MET (MET proto-oncogene, receptor tyrosine kinase; plus strand). Cytogenetic location: 7q31.2.
Variant type: single nucleotide variant.
Coding change: c.3236A>G on transcript NM_000245.4 (MANE Select); coding-DNA position 3236, A replaced by G.
Protein change: p.His1079Arg; replaces histidine 1079 with arginine.
Molecular consequence: missense variant.
Genome position (GRCh38, 1-based): chr7:116,775,088, A>G. VCF-style: chr7-116775088-A-G. GRCh37 (hg19) VCF-style: chr7-116415142-A-G.
Other names: c.3290A>G, p.His1097Arg (NM_001127500.3); c.1946A>G, p.His649Arg (NM_001324402.2); c.3290A>G (NM_001127500.2, LRG_662t1); short protein forms H1097R, H1079R, H649R.
Identifiers: ClinVar variation 216506 (VCV000216506.30), dbSNP rs758292223, ClinGen allele CA337203.

ClinVar aggregate classification (germline): Conflicting classifications of pathogenicity. Review status: criteria provided, conflicting classifications (1 of 4 stars). 11 submissions from 11 submitters: Uncertain significance (7); Likely benign (2). 2 of the submissions do not count toward it. Last evaluated 2026-03-27.

Conditions:
Renal cell carcinoma. Identifiers: Orphanet 217071, MedGen C0007134, MeSH D002292, MONDO:0005086, HP:0005584.
MET-related disorder. Also called: MET-related condition.
Hereditary cancer-predisposing syndrome. Also called: Neoplastic Syndromes, Hereditary; Tumor predisposition; Hereditary Cancer Syndrome; Hereditary neoplastic syndrome. Identifiers: Orphanet 140162, MedGen C0027672, MeSH D009386, MONDO:0015356.
Autosomal recessive nonsyndromic hearing loss 97. Also called: Deafness, autosomal recessive 97. Identifiers: Orphanet 90636, MedGen C4084709, MONDO:0014739, OMIM 616705.
Papillary renal cell carcinoma type 1 (RCCP1). Also called: Renal adenocarcinoma; Renal cell carcinoma 1; Renal cell carcinoma, somatic; RENAL CELL CARCINOMA, PAPILLARY, 1, SOMATIC. Identifiers: Orphanet 47044, MedGen C1336839, OMIM 605074, HP:0011797.

Allele frequency attached by ClinVar (database versions not stated): gnomAD exomes 0.00006 and 0.00009; TOPMed 0.00006; ExAC 0.00007; gnomAD 0.00007 and 0.00009.
gnomAD v4.1: 101 of 1,614,082 alleles (0.0063%); highest among the groups gnomAD compares: Non-Finnish European, 0.0083%; no homozygotes.

Submissions (11):

PreventionGenetics, part of Exact Sciences
Classification: Uncertain significance for MET-related condition. Last evaluated: 2026-03-27. Review status: criteria provided, single submitter. Criteria: ACMG Guidelines, 2015. Collection method: clinical testing. Allele origin: germline.
Comment: The MET c.3290A>G variant is predicted to result in the amino acid substitution p.His1097Arg. This variant was reported in a primary lymphedema cohort (Michelini et al. 2016. PubMed ID: 29906362). This variant is reported in 0.018% of alleles in individuals of European (Non-Finnish) descent in gnomAD and has conflicting interpretations in ClinVar ranging from likely benign to uncertain (Variation ID: 216506). At this time, the clinical significance of this variant is uncertain due to the absence of conclusive functional and genetic evidence.

Labcorp Genetics (formerly Invitae), Labcorp
Classification: Uncertain significance for Renal cell carcinoma. Last evaluated: 2026-01-10. Review status: criteria provided, single submitter. Criteria: Invitae Variant Classification Sherloc (09022015). Collection method: clinical testing. Allele origin: germline.
Comment: This sequence change replaces histidine, which is basic and polar, with arginine, which is basic and polar, at codon 1097 of the MET protein (p.His1097Arg). This variant is present in population databases (rs758292223, gnomAD 0.02%). This variant has not been reported in the literature in individuals affected with MET-related conditions. ClinVar contains an entry for this variant (Variation ID: 216506). Invitae Evidence Modeling of protein sequence and biophysical properties (such as structural, functional, and spatial information, amino acid conservation, physicochemical variation, residue mobility, and thermodynamic stability) indicates that this missense variant is expected to disrupt MET protein function with a positive predictive value of 80%. In summary, the available evidence is currently insufficient to determine the role of this variant in disease. Therefore, it has been classified as a Variant of Uncertain Significance.

Quest Diagnostics Nichols Institute San Juan Capistrano
Classification: Uncertain significance. Last evaluated: 2025-07-16. Review status: criteria provided, single submitter. Criteria: Quest Diagnostics criteria. Collection method: clinical testing. Allele origin: unknown.

GeneDx
Classification: Uncertain significance. Last evaluated: 2025-06-18. Review status: criteria provided, single submitter. Criteria: GeneDx Variant Classification Process June 2021. Collection method: clinical testing. Allele origin: germline. Affected: yes.
Comment: In silico analysis supports that this missense variant has a deleterious effect on protein structure/function; Observed in an individual with primary lymphedema (PMID: 29906362); Published functional studies demonstrated transforming ability similar to wild-type (PMID: 37965202); This variant is associated with the following publications: (PMID: 26887792, 29906362, 37965202)

Center for Genomic Medicine, Rigshospitalet, Copenhagen University Hospital
Classification: Uncertain significance. Last evaluated: 2025-03-04. Review status: criteria provided, single submitter. Criteria: ACMG Guidelines, 2015. Collection method: clinical testing. Allele origin: germline.

Myriad Genetics, Inc.
Classification: Likely benign for Papillary renal cell carcinoma type 1. Last evaluated: 2024-11-13. Review status: criteria provided, single submitter. Criteria: Myriad Autosomal Dominant, Autosomal Recessive and X-Linked Classification Criteria (2023). Collection method: clinical testing. Allele origin: unknown.
Comment: This variant is considered likely benign. This variant has been observed at a population frequency that is significantly greater than expected given the associated disease prevalence and penetrance.

Baylor Genetics
Classification: Uncertain significance for Autosomal recessive nonsyndromic hearing loss 97. Last evaluated: 2024-02-21. Review status: criteria provided, single submitter. Criteria: ACMG Guidelines, 2015. Collection method: clinical testing. Allele origin: unknown.

Institute for Clinical Genetics, University Hospital TU Dresden, University Hospital TU Dresden
Classification: Uncertain significance. Last evaluated: 2021-11-03. Review status: criteria provided, single submitter. Criteria: ACMG Guidelines, 2015. Collection method: clinical testing. Allele origin: germline.

Ambry Genetics
Classification: Likely benign for Hereditary cancer-predisposing syndrome. Last evaluated: 2020-07-06. Review status: criteria provided, single submitter. Criteria: Ambry Variant Classification Scheme 2023. Collection method: clinical testing. Allele origin: germline.

Clinical Genetics DNA and cytogenetics Diagnostics Lab, Erasmus MC, Erasmus Medical Center
Classification: Uncertain significance. Review status: no assertion criteria provided. Collection method: clinical testing. Allele origin: germline. Affected: yes. Study: VKGL Data-share Consensus. Not counted in ClinVar's aggregate classification.

Diagnostic Laboratory, Department of Genetics, University Medical Center Groningen
Classification: Uncertain significance. Review status: no assertion criteria provided. Collection method: clinical testing. Allele origin: germline. Affected: yes. Study: VKGL Data-share Consensus. Not counted in ClinVar's aggregate classification.